The following is an entry in ClinVar:

NM_001134363.3(RBM20):c.70T>A (p.Cys24Ser)

Gene: RBM20 (RNA binding motif protein 20; plus strand). Cytogenetic location: 10q25.2.
Variant type: single nucleotide variant.
Coding change: c.70T>A on transcript NM_001134363.3 (MANE Select); coding-DNA position 70, T replaced by A.
Protein change: p.Cys24Ser; replaces cysteine 24 with serine.
Molecular consequence: missense variant.
Genome position (GRCh38, 1-based): chr10:110,644,524, T>A. VCF-style: chr10-110644524-T-A. GRCh37 (hg19) VCF-style: chr10-112404282-T-A.
Other names: short protein forms C24S.
Identifiers: ClinVar variation 1014040 (VCV001014040.8), dbSNP rs1371624996, ClinGen allele CA378527504.

ClinVar aggregate classification (germline): Uncertain significance (1 of 4 stars; one submission).

Conditions:
Dilated cardiomyopathy 1DD (CMD1DD). Identifiers: Orphanet 154, MedGen C2750995, MONDO:0013168, OMIM 613172.

Allele frequency attached by ClinVar (database versions not stated): TOPMed 0.00001.

Submission:

Labcorp Genetics (formerly Invitae), Labcorp
Classification: Uncertain significance for Dilated cardiomyopathy 1DD. Last evaluated: 2022-03-09. Review status: criteria provided, single submitter. Criteria: Invitae Variant Classification Sherloc (09022015). Collection method: clinical testing. Allele origin: germline.
Comment: In summary, the available evidence is currently insufficient to determine the role of this variant in disease. Therefore, it has been classified as a Variant of Uncertain Significance. Advanced modeling of protein sequence and biophysical properties (such as structural, functional, and spatial information, amino acid conservation, physicochemical variation, residue mobility, and thermodynamic stability) performed at Invitae indicates that this missense variant is not expected to disrupt RBM20 protein function. ClinVar contains an entry for this variant (Variation ID: 1014040). This variant has not been reported in the literature in individuals affected with RBM20-related conditions. This variant is not present in population databases (gnomAD no frequency). This sequence change replaces cysteine, which is neutral and slightly polar, with serine, which is neutral and polar, at codon 24 of the RBM20 protein (p.Cys24Ser).